The following is an entry in ClinVar:

ClinVar aggregate classification (germline): Likely pathogenic. Review status: criteria provided, multiple submitters, no conflicts (2 of 4 stars). 3 submissions from 3 submitters: Likely pathogenic (3). Last evaluated 2026-04-01.

Conditions:
Retinitis pigmentosa 40 (RP40). Identifiers: Orphanet 791, MedGen C3151107, MONDO:0013429, OMIM 613801.
PDE6B-related disorder. Also called: PDE6B-related disease; PDE6B-related condition; PDE6B-related disorders.

Submissions (3):

Institute of Medical Genetics and Applied Genomics, University Hospital Tübingen
Classification: Likely pathogenic for Retinitis pigmentosa 40. Last evaluated: 2026-04-01. Review status: criteria provided, single submitter. Criteria: ACMG Guidelines, 2015. Collection method: clinical testing. Allele origin: germline. Inheritance: Autosomal recessive inheritance. Affected: yes.

Labcorp Genetics (formerly Invitae), Labcorp
Classification: Likely pathogenic. Last evaluated: 2022-04-28. Review status: criteria provided, single submitter. Criteria: Invitae Variant Classification Sherloc (09022015). Collection method: clinical testing. Allele origin: germline.
Comment: In summary, the currently available evidence indicates that the variant is pathogenic, but additional data are needed to prove that conclusively. Therefore, this variant has been classified as Likely Pathogenic. Algorithms developed to predict the effect of sequence changes on RNA splicing suggest that this variant may disrupt the consensus splice site. This variant has not been reported in the literature in individuals affected with PDE6B-related conditions. This variant is not present in population databases (gnomAD no frequency). This sequence change affects a donor splice site in intron 2 of the PDE6B gene. It is expected to disrupt RNA splicing. Variants that disrupt the donor or acceptor splice site typically lead to a loss of protein function (PMID: 16199547), and loss-of-function variants in PDE6B are known to be pathogenic (PMID: 8394174, 8595886, 22334370).

Blueprint Genetics
Classification: Likely pathogenic for PDE6B-related disorders. Last evaluated: 2018-03-07. Review status: criteria provided, single submitter. Criteria: ACMG Guidelines, 2015. Collection method: clinical testing. Allele origin: germline. Affected: yes. Observed: 1 variant allele.

Literature cited by the submitters: PubMed 16199547 (cited by Labcorp Genetics (formerly Invitae), Labcorp); PubMed 8394174 (cited by Labcorp Genetics (formerly Invitae), Labcorp); PubMed 8595886 (cited by Labcorp Genetics (formerly Invitae), Labcorp); PubMed 22334370 (cited by Labcorp Genetics (formerly Invitae), Labcorp).

NM_000283.4(PDE6B):c.621+1G>A

Gene: PDE6B (phosphodiesterase 6B; plus strand). Cytogenetic location: 4p16.3.
Variant type: single nucleotide variant.
Coding change: c.621+1G>A on transcript NM_000283.4 (MANE Select); the canonical splice donor site of the intron after coding-DNA position 621, G replaced by A.
Molecular consequence: splice donor variant.
Genome position (GRCh38, 1-based): chr4:634,830, G>A. VCF-style: chr4-634830-G-A. GRCh37 (hg19) VCF-style: chr4-628619-G-A.
Other names: c.621+1G>A (NM_001145291.2).
Identifiers: ClinVar variation 2131266 (VCV002131266.5), dbSNP rs2474104968, ClinGen allele CA355908422.